The following is an entry in ClinVar:

ClinVar aggregate classification (germline): Likely benign (1 of 4 stars; one submission).

Submission:

CeGaT Center for Human Genetics Tuebingen
Classification: Likely benign. Last evaluated: 2024-04-01. Review status: criteria provided, single submitter. Criteria: CeGaT Center For Human Genetics Tuebingen Variant Classification Criteria Version 2. Collection method: clinical testing. Allele origin: germline. Affected: yes. Observed: 1 variant allele.
Comment: UBBP4: BP4, BP7

NR_144546.2:n.1228T>C

Variant type: single nucleotide variant.
Molecular consequence: non-coding transcript variant (on NR_144546.2).
Genome position: GRCh38 VCF-style: chr17-22204923-T-C. GRCh37 (hg19) VCF-style: chr17-21731529-T-C.
Identifiers: ClinVar variation 3234342 (VCV003234342.20), dbSNP rs745804544, ClinGen allele CA8451938.